The following is an entry in ClinVar:

NM_153704.6(TMEM67):c.2407G>A (p.Glu803Lys)

Gene: TMEM67 (transmembrane protein 67; plus strand). Cytogenetic location: 8q22.1.
Variant type: single nucleotide variant.
Coding change: c.2407G>A on transcript NM_153704.6 (MANE Select); coding-DNA position 2407, G replaced by A.
Protein change: p.Glu803Lys; replaces glutamic acid 803 with lysine.
Molecular consequence: missense variant. On other transcripts: non-coding transcript variant (1).
Genome position (GRCh38, 1-based): chr8:93,804,846, G>A. VCF-style: chr8-93804846-G-A. GRCh37 (hg19) VCF-style: chr8-94817074-G-A.
Other names: c.2164G>A, p.Glu722Lys (NM_001142301.1); short protein forms E722K, E803K.
Identifiers: ClinVar variation 1998216 (VCV001998216.4), dbSNP rs1434039026, ClinGen allele CA371698318.

ClinVar aggregate classification (germline): Uncertain significance (1 of 4 stars; one submission).

Conditions:
Joubert syndrome. Also called: CEREBELLOPARENCHYMAL DISORDER IV; JOUBERT-BOLTSHAUSER SYNDROME; Familial aplasia of the vermis. Identifiers: Orphanet 475, MedGen C5979921, MONDO:0018772.
Meckel-Gruber syndrome. Also called: DYSENCEPHALIA SPLANCHNOCYSTICA; GRUBER SYNDROME; Dysencephalia splachnocystica. Identifiers: Orphanet 564, MedGen C0265215, MONDO:0018921.

Submission:

Labcorp Genetics (formerly Invitae), Labcorp
Classification: Uncertain significance for Joubert syndrome; Meckel-Gruber syndrome. Last evaluated: 2022-05-24. Review status: criteria provided, single submitter. Criteria: Invitae Variant Classification Sherloc (09022015). Collection method: clinical testing. Allele origin: germline.
Comment: This variant has not been reported in the literature in individuals affected with TMEM67-related conditions. In summary, the available evidence is currently insufficient to determine the role of this variant in disease. Therefore, it has been classified as a Variant of Uncertain Significance. Algorithms developed to predict the effect of sequence changes on RNA splicing suggest that this variant may disrupt the consensus splice site. Advanced modeling of protein sequence and biophysical properties (such as structural, functional, and spatial information, amino acid conservation, physicochemical variation, residue mobility, and thermodynamic stability) performed at Invitae indicates that this missense variant is expected to disrupt TMEM67 protein function. This variant is not present in population databases (gnomAD no frequency). This sequence change replaces glutamic acid, which is acidic and polar, with lysine, which is basic and polar, at codon 803 of the TMEM67 protein (p.Glu803Lys).